The following is an entry in ClinVar:

NM_001371904.1(APOA5):c.586_592del (p.Glu196fs)

Gene: APOA5 (apolipoprotein A5; minus strand). Cytogenetic location: 11q23.3.
Variant type: Deletion.
Coding change: c.586_592del on transcript NM_001371904.1 (MANE Select); coding-DNA positions 586 to 592, 7 bases deleted (GAGAGCC; older notation c.586_592delGAGAGCC).
Protein change: p.Glu196fs; shifts the reading frame from glutamic acid 196.
Molecular consequence: frameshift variant.
Genome position (GRCh38, 1-based): chr11:116,790,637-116,790,643, GGCTCTC deleted on the plus strand (GAGAGCC on the coding strand, the reverse complement: APOA5 is on the minus strand); deleting any 7 consecutive bases within chr11:116,790,637-116,790,646 gives the same sequence; the c. name uses the placement nearest the transcript's 3' end. VCF-style (leftmost placement, unchanged base first): chr11-116790636-AGGCTCTC-A. GRCh37 (hg19) VCF-style: chr11-116661352-AGGCTCTC-A.
Other names: c.586_592del, p.Glu196fs (NM_001166598.2, NM_052968.5); c.586_592del7 (NM_052968.4); short protein forms E196fs.
Identifiers: ClinVar variation 4773833 (VCV004773833.2).
Genomic context (GRCh38, chr11:116,790,636, plus strand): 5'-GGGGCGTGCGGAGCCACACTGCGGTGCAGCTCCTGCACGTGGCGCCCGATGCCGCTCACC[AGGCTCTC>A]GGCGTATGGGTGGAAGAGCTCTTTGAAGCGGCCGGTGTGGTGCACCACGCGGCTCTGCAG-3'

ClinVar aggregate classification (germline): Conflicting classifications of pathogenicity. Review status: criteria provided, conflicting classifications (1 of 4 stars). 2 submissions from 2 submitters: Likely pathogenic (1); Uncertain significance (1). Last evaluated 2026-08-28.

Conditions:
APOA5-related disorder. Also called: APOA5-related condition.

Submissions (2):

PreventionGenetics, part of Exact Sciences
Classification: Likely pathogenic for APOA5-related condition. Last evaluated: 2026-08-28. Review status: criteria provided, single submitter. Criteria: ACMG Guidelines, 2015. Collection method: clinical testing. Allele origin: germline.
Comment: The APOA5 c.586_592del7 variant is predicted to result in a frameshift and premature protein termination (p.Glu196Trpfs*2). To our knowledge, this variant has not been reported in the literature or in a large population database (gnomAD), indicating this variant is rare. Frameshift variants in APOA5 are expected to be pathogenic. This variant is interpreted as likely pathogenic.

Labcorp Genetics (formerly Invitae), Labcorp
Classification: Uncertain significance. Last evaluated: 2025-07-03. Review status: criteria provided, single submitter. Criteria: Invitae Variant Classification Sherloc (09022015). Collection method: clinical testing. Allele origin: germline.
Comment: This sequence change creates a premature translational stop signal (p.Glu196Trpfs*2) in the APOA5 gene. While this is not anticipated to result in nonsense mediated decay, it is expected to disrupt the last 171 amino acid(s) of the APOA5 protein. This variant is not present in population databases (gnomAD no frequency). This premature translational stop signal has been observed in individual(s) with clinical features of autosomal recessive chylomicronemia (internal data). In summary, the available evidence is currently insufficient to determine the role of this variant in disease. Therefore, it has been classified as a Variant of Uncertain Significance.